The following is an entry in ClinVar:

NM_000093.5(COL5A1):c.1196A>G (p.Asp399Gly)

Gene: COL5A1 (collagen type V alpha 1 chain; plus strand). Cytogenetic location: 9q34.3.
Variant type: single nucleotide variant.
Coding change: c.1196A>G on transcript NM_000093.5 (MANE Select); coding-DNA position 1196, A replaced by G.
Protein change: p.Asp399Gly; replaces aspartic acid 399 with glycine.
Molecular consequence: missense variant.
Genome position (GRCh38, 1-based): chr9:134,731,527, A>G. VCF-style: chr9-134731527-A-G. GRCh37 (hg19) VCF-style: chr9-137623373-A-G.
Other names: c.1196A>G, p.Asp399Gly (NM_001278074.1); short protein forms D399G.
Identifiers: ClinVar variation 4752123 (VCV004752123.1).

ClinVar aggregate classification (germline): Uncertain significance (1 of 4 stars; one submission).

Conditions:
Ehlers-Danlos syndrome, classic type, 1 (EDSCL1). Also called: EHLERS-DANLOS SYNDROME, GRAVIS TYPE; EHLERS-DANLOS SYNDROME, SEVERE CLASSIC TYPE; Ehlers-Danlos syndrome, type 1; Ehlers-Danlos Syndrome, Classic Type, COL5A1-Related; EDS I. Identifiers: MedGen C0268335, MONDO:0019567, OMIM 130000.

Submission:

Labcorp Genetics (formerly Invitae), Labcorp
Classification: Uncertain significance for Ehlers-Danlos syndrome, classic type, 1. Last evaluated: 2025-11-19. Review status: criteria provided, single submitter. Criteria: Invitae Variant Classification Sherloc (09022015). Collection method: clinical testing. Allele origin: germline.
Comment: This sequence change replaces aspartic acid, which is acidic and polar, with glycine, which is neutral and non-polar, at codon 399 of the COL5A1 protein (p.Asp399Gly). This variant is not present in population databases (gnomAD no frequency). This variant has not been reported in the literature in individuals affected with COL5A1-related conditions. Invitae Evidence Modeling of protein sequence and biophysical properties (such as structural, functional, and spatial information, amino acid conservation, physicochemical variation, residue mobility, and thermodynamic stability) indicates that this missense variant is not expected to disrupt COL5A1 protein function with a negative predictive value of 95%. In summary, the available evidence is currently insufficient to determine the role of this variant in disease. Therefore, it has been classified as a Variant of Uncertain Significance.